The following is an entry in ClinVar:

ClinVar aggregate classification (germline): Likely benign (0 of 4 stars; one submission).

Conditions:
POMC-related disorder. Also called: POMC-related condition; POMC-related disorders.

gnomAD v4.1: 3 of 1,613,832 alleles (0.00019%); highest among the groups gnomAD compares: African/African-American, 0.0027%; no homozygotes.

Submission:

PreventionGenetics, part of Exact Sciences
Classification: Likely benign for POMC-related condition. Last evaluated: 2024-05-17. Review status: no assertion criteria provided. Collection method: clinical testing. Allele origin: germline.
Comment: This variant is classified as likely benign based on ACMG/AMP sequence variant interpretation guidelines (Richards et al. 2015 PMID: 25741868, with internal and published modifications).

NM_000939.4(POMC):c.*10G>T

Gene: POMC (proopiomelanocortin; minus strand). Cytogenetic location: 2p23.3.
Variant type: single nucleotide variant.
Coding change: c.*10G>T on transcript NM_000939.4 (MANE Select); 10 bases downstream of the stop codon, G replaced by T.
Molecular consequence: 3 prime UTR variant.
Genome position (GRCh38, 1-based): chr2:25,161,071, C>A on the plus strand (G>T on the coding strand, the complement: POMC is on the minus strand). VCF-style: chr2-25161071-C-A. GRCh37 (hg19) VCF-style: chr2-25383940-C-A.
Other names: c.*10G>T (NM_001035256.3, NM_001319204.2, NM_001319205.2).
Identifiers: ClinVar variation 3344181 (VCV003344181.1).